The following is an entry in ClinVar:

ClinVar aggregate classification (germline): Uncertain significance. Review status: reviewed by expert panel (3 of 4 stars). 3 submissions from 3 submitters: Uncertain significance (1). 2 of the submissions do not count toward it. Last evaluated 2025-01-07.

Conditions:
MERRF syndrome (MERRF). Also called: MYOCLONIC EPILEPSY ASSOCIATED WITH RAGGED-RED FIBERS; Myoclonus with epilepsy with ragged red fibers; Myoencephalopathy ragged-red fiber disease. Identifiers: Orphanet 551, MedGen C0162672, MONDO:0010790, OMIM 545000.
Mitochondrial disease. Also called: Mitochondrial disorder; Mitochondrial disorders. Identifiers: Orphanet 68380, MedGen C0751651, MeSH D028361, MONDO:0044970.
MELAS syndrome (MELAS). Also called: Juvenile myopathy, encephalopathy, lactic acidosis, stroke. Identifiers: Orphanet 550, MedGen C0162671, MONDO:0010789, OMIM 540000.

Submissions (3):

ClinGen Mitochondrial Disease Nuclear and Mitochondrial  Variant Curation Expert Panel, ClinGen
Classification: Uncertain significance for Mitochondrial disease. Last evaluated: 2025-01-07. Review status: reviewed by expert panel. Criteria: clingen mito disease acmg specifications v1-1. Collection method: curation. Allele origin: germline. Inheritance: Mitochondrial inheritance.
Comment: The m.16002T>C variant in MT-TP has been reported in three individuals with primary mitochondrial disease (PMIDs: 27536729, 11196116, 31965079). Two of these individuals had myopathy, ophthalmoplegia, and ptosis (PMIDs: 27536729, 11196116). Ragged red fibers were seen in both. The variant was present in muscle at heteroplasmy levels between 25-70%, and was undetectable in other tissues tested including blood, buccal mucosa, and urine. The variant was also absent in blood from one of the mothers, but given it was also undetectable in the proband’s blood, de novo status could not be confirmed (PMID: 11196116). The third case was described as having mitochondrial encephalomyopathy with lactic acidosis and stroke-like episodes (MELAS), however clinical details and heteroplasmy levels were not provided (PMID: 31965079). This variant is absent in the GenBank dataset and gnomAD v3.1.2, and there is one heteroplasmic occurrence in the Helix dataset (PM2_supporting). MitoTIP predicts the variant is possibly pathogenic (75.8 percentile) and HmtVAR predicts the variant is pathogenic (score of 0.55; PP3). Single fiber testing showed higher levels of the variant in COX-negative fibers (98.15% ± 0.58, n=13) than in COX-positive fibers (17.0% ± 4.99, n=14) p<0.0001 (PS3_supporting, PMID: 27536729). In summary, this variant meets criteria to be classified as uncertain significance for primary mitochondrial disease inherited in a mitochondrial manner. This classification was approved by the NICHD/NINDS U24 ClinGen Mitochondrial Disease Variant Curation Expert Panel on January 7, 2025. Mitochondrial DNA-specific ACMG/AMP criteria applied (PMID: 32906214): PM2_supporting, PP3, PS3_supporting.

Mendelics
Classification: Pathogenic for MERRF syndrome. Last evaluated: 2022-05-04. Review status: criteria provided, single submitter. Criteria: Mendelics Assertion Criteria 2019. Collection method: clinical testing. Allele origin: germline. Not counted in ClinVar's aggregate classification.

Wong Mito Lab, Molecular and Human Genetics, Baylor College of Medicine
Classification: Likely pathogenic for MELAS syndrome. Last evaluated: 2019-07-12. Review status: criteria provided, single submitter. Criteria: Modified ACMG Guidelines (Unpublished). Collection method: clinical testing. Allele origin: germline. Not counted in ClinVar's aggregate classification.
Comment: The NC_012920.1:m.16002T>C variant in MT-TP gene is interpreted to be a Likely Pathogenic variant based on the modified ACMG guidelines (unpublished). This variant meets the following evidence codes reported in the guidelines: PM7, PM8, PM9, PP6

Literature cited by the submitters: PubMed 31965079 (cited by Wong Mito Lab, Molecular and Human Genetics, Baylor College of Medicine); PubMed 11196116 (cited by Wong Mito Lab, Molecular and Human Genetics, Baylor College of Medicine).

NC_012920.1(MT-TP):m.16002T>C

Gene: MT-TP (mitochondrially encoded tRNA proline; minus strand).
Variant type: single nucleotide variant.
Genome position: chrM-16002-T-C.
Identifiers: ClinVar variation 690271 (VCV000690271.3), dbSNP rs1603225633, ClinGen allele CA913175422.
Genomic context (GRCh38, chrMT:16,002, plus strand): 5'-TTTCCAAGGACAAATCAGAGAAAAAGTCTTTAACTCCACCATTAGCACCCAAAGCTAAGA[T>C]TCTAATTTAAACTATTCTCTGTTCTTTCATGGGGAAGCAGATTTGGGTACCACCCAAGTA-3'